The following is an entry in ClinVar:

NM_007294.4(BRCA1):c.5470_5477del

Gene: BRCA1 (BRCA1 DNA repair associated; minus strand). Cytogenetic location: 17q21.31.
Variant type: Deletion.
Coding change: c.5470_5477del on transcript NM_007294.4 (MANE Select); coding-DNA positions 5470 to 5477, 8 bases deleted (ATTGGGCA; older notation c.5470_5477delATTGGGCA).
Molecular consequence: splice acceptor variant.
Genome position (GRCh38, 1-based): chr17:43,045,793-43,045,800, TGCCCAAT deleted on the plus strand (ATTGGGCA on the coding strand, the reverse complement: BRCA1 is on the minus strand); deleting any 8 consecutive bases within chr17:43,045,793-43,045,803 gives the same sequence; the c. name uses the placement nearest the transcript's 3' end. VCF-style (leftmost placement, unchanged base first): chr17-43045792-CTGCCCAAT-C. GRCh37 (hg19) VCF-style: chr17-41197809-CTGCCCAAT-C.
Other names: 5589del8.
Identifiers: ClinVar variation 55591 (VCV000055591.33), dbSNP rs80357973, ClinGen allele CA003628.

ClinVar aggregate classification (germline): Pathogenic. Review status: reviewed by expert panel (3 of 4 stars). 13 submissions from 13 submitters: Pathogenic (1). 12 of the submissions do not count toward it. Last evaluated 2016-09-08.

Conditions:
Fanconi anemia, complementation group S (FANCS). Identifiers: MedGen C4554406, MONDO:0054748, OMIM 617883.
Breast-ovarian cancer, familial, susceptibility to, 1 (BROVCA1). Also called: OVARIAN CANCER, SUSCEPTIBILITY TO; BRCA1 Hereditary Breast and Ovarian Cancer. Identifiers: Orphanet 145, MedGen C2676676, MONDO:0011450, OMIM 604370. Disease mechanism: loss of function.
Pancreatic cancer, susceptibility to, 4. Identifiers: Orphanet 1333, MedGen C3280442, MONDO:0013685, OMIM 614320.
Breast neoplasm. Also called: Neoplasm of breast; Breast tumor; Breast Neoplasms; Neoplasm of the breast. Identifiers: MedGen C1458155, MeSH D001943, MONDO:0021100, HP:0100013. Disease mechanism: gain of function.
Hereditary cancer-predisposing syndrome. Also called: Neoplastic Syndromes, Hereditary; Tumor predisposition; Hereditary Cancer Syndrome; Hereditary neoplastic syndrome. Identifiers: Orphanet 140162, MedGen C0027672, MeSH D009386, MONDO:0015356.
Hereditary breast ovarian cancer syndrome. Also called: Hereditary breast and/or ovarian cancer syndrome; Hereditary breast and ovarian cancer syndrome; Hereditary breast and ovarian cancer; Hereditary breast and ovarian cancer syndrome (HBOC); Breast and ovarian cancer; BRCA1- and BRCA2-Associated Hereditary Breast and Ovarian Cancer. Identifiers: Orphanet 145, MedGen C0677776, MeSH D061325, MONDO:0003582. Disease mechanism: loss of function.

Submissions 1 to 10 of 13:

Evidence-based Network for the Interpretation of Germline Mutant Alleles (ENIGMA)
Classification: Pathogenic for Breast-ovarian cancer, familial, susceptibility to, 1. Last evaluated: 2016-09-08. Review status: reviewed by expert panel. Criteria: ENIGMA BRCA1/2 Classification Criteria (2015). Collection method: curation. Allele origin: germline.
Comment: Variant allele predicted to encode a truncated non-functional protein.

Labcorp Genetics (formerly Invitae), Labcorp
Classification: Pathogenic for Hereditary breast ovarian cancer syndrome. Last evaluated: 2026-01-18. Review status: criteria provided, single submitter. Criteria: Invitae Variant Classification Sherloc (09022015). Collection method: clinical testing. Allele origin: germline. Not counted in ClinVar's aggregate classification.
Comment: This sequence change creates a premature translational stop signal (p.Ile1824Aspfs*3) in the BRCA1 gene. RNA analysis indicates that this premature translational stop signal induces altered splicing and likely disrupts the C-terminus of the protein. This variant is not present in population databases (gnomAD no frequency). This premature translational stop signal has been observed in individual(s) with breast and/or ovarian cancer (PMID: 15117986, 16455195, 25366075, 25863477, 26824983, 26848529, 26852015, 27257965). This variant is also known as 5589del8. ClinVar contains an entry for this variant (Variation ID: 55591). Studies have shown that this premature translational stop signal results in activation of a cryptic splice site and introduces a new termination codon (internal data). However the mRNA is not expected to undergo nonsense-mediated decay. This variant disrupts a region of the BRCA1 protein in which other variant(s) (p.Arg1835*) have been determined to be pathogenic (PMID: 8554067, 16683254, 24504028). This suggests that this is a clinically significant region of the protein, and that variants that disrupt it are likely to be disease-causing. For these reasons, this variant has been classified as Pathogenic.

GeneDx
Classification: Pathogenic. Last evaluated: 2025-12-14. Review status: criteria provided, single submitter. Criteria: GeneDx Variant Classification Process June 2021. Collection method: clinical testing. Allele origin: germline. Affected: yes. Not counted in ClinVar's aggregate classification.
Comment: Frameshift variant predicted to result in protein truncation or nonsense mediated decay in a gene for which loss of function is a known mechanism of disease; Truncating variants in this gene are considered pathogenic by a well-established clinical consortium and/or database; Not observed at significant frequency in large population cohorts (gnomAD); Also known as 5589_5596del; This variant is associated with the following publications: (PMID: 15117986, 14973102, 31957001, 34326862, 36463302, 36630951, 35864222, 35171259, 32211327, 33842374, 31721094, 25366075, 17680524, 23131904, 16515586, 24312913, 25863477, 26848529, 22798144, 16455195, 26852015, 23175448, 17851763, 22217648, 21901790, 20950396, 29752822, 28135048, 28724667, 28692638, 30702160, 30720863, 30078507, 28176296, 31174498, 30322717, 31054147, 30309222, 31472684, 32091409, 32072338, 31908633, 32318955, 29176636, 32029870, 33151324, 31825140, 30787465, 31742824, 34254208, 34645131, 33461583, 38900213)

Fulgent Genetics
Classification: Pathogenic for Breast-ovarian cancer, familial, susceptibility to, 1; Pancreatic cancer, susceptibility to, 4; Fanconi anemia, complementation group S. Last evaluated: 2024-05-30. Review status: criteria provided, single submitter. Criteria: ACMG Guidelines, 2015. Collection method: clinical testing. Allele origin: germline. Not counted in ClinVar's aggregate classification.

Baylor Genetics
Classification: Pathogenic for Breast-ovarian cancer, familial, susceptibility to, 1. Last evaluated: 2024-01-01. Review status: criteria provided, single submitter. Criteria: ACMG Guidelines, 2015. Collection method: clinical testing. Allele origin: unknown. Not counted in ClinVar's aggregate classification.

Ambry Genetics
Classification: Pathogenic for Hereditary cancer-predisposing syndrome. Last evaluated: 2023-12-17. Review status: criteria provided, single submitter. Criteria: Ambry Variant Classification Scheme 2023. Collection method: clinical testing. Allele origin: germline. Not counted in ClinVar's aggregate classification.
Comment: The c.5470_5477delATTGGGCA pathogenic mutation, located in coding exon 22 of the BRCA1 gene, results from a deletion of 8 nucleotides at positions 5470 to 5477, causing a translational frameshift with a predicted alternate stop codon (p.I1824Dfs*3). This mutation (also sometimes designated as 5589del8 in the literature) is recurrent in the Chinese population and has also been identified in Korean breast/ovarian cohorts (Choi D et al. J Clin Oncol. 2004 May 1;22(9):1638-45; Hu Z et al. Zhonghua Yi Xue Yi Chuan Xue Za Zhi. 2007 Aug;24(4):378-81; Chen W et al. Breast Cancer Res. Treat. 2009 Sep; 117(1):55-60; Ahn SH et al. Cancer Lett. 2007 Jan; 245(1-2):90-5; Kim H et al. Breast Cancer Res. Treat. 2012 Aug; 134(3):1315-26; Li WF et al. Breast Cancer Res. Treat. 2008 Jul; 110(1):99-109; Meng H et al. Int J Cancer. 2020 06;146:3044-3052; Wu Y et al. Hereditas. 2020 Dec;157:1; Zeng C et al. Breast Cancer Res Treat. 2020 Jun;181:465-473). This variant is considered to be rare based on population cohorts in the Genome Aggregation Database (gnomAD). In silico splice site analysis predicts that this alteration will result in the creation or strengthening of a novel splice acceptor site. RNA studies have demonstrated that this alteration results in abnormal splicing in the set of samples tested (Ambry internal data). This alteration occurs at the 3' terminus of the BRCA1 gene, is not expected to trigger nonsense-mediated mRNA decay, and only impacts the last 2% of the protein. However, premature stop codons are typically deleterious in nature, and the impacted region is critical for protein function (Ambry internal data). Based on the supporting evidence, this alteration is interpreted as a disease-causing mutation.

Quest Diagnostics Nichols Institute San Juan Capistrano
Classification: Pathogenic. Last evaluated: 2021-08-12. Review status: criteria provided, single submitter. Criteria: Quest Diagnostics criteria. Collection method: clinical testing. Allele origin: unknown. Not counted in ClinVar's aggregate classification.
Comment: This frameshift variant causes the premature termination of BRCA1 protein synthesis. In addition, it has been identified in individuals with breast cancer and/or ovarian cancer, as well as in a healthy control in the published literature (PMIDs: 28294317 (2017), 27257965 (2016), 26852015 (2016), 26824983 (2016), 25863477 (2015), 25366075 (2014), 18512148 (2009), 17922413 (2007), 17851763 (2008), 17680524 (2007), 16515586 (2006), 16455195 (2007), and 15117986 (2004)). Based on the available information, this variant is classified as pathogenic.

Color Diagnostics, LLC DBA Color Health
Classification: Pathogenic for Hereditary cancer-predisposing syndrome. Last evaluated: 2021-02-02. Review status: criteria provided, single submitter. Criteria: ACMG Guidelines, 2015. Collection method: clinical testing. Allele origin: germline. Not counted in ClinVar's aggregate classification.
Comment: This variant deletes 8 nucleotides in exon 23 of the BRCA1 gene, creating a premature translation stop signal in the last coding exon. While this variant is not expected to trigger nonsense-mediated decay, the truncation is predicted to delete the C-terminus of the BRCT domain that is important for phosphopeptide binding and DNA damage response (PMID: 25701377). To our knowledge, functional studies have not been reported for this variant. This variant has been reported in numerous individuals affected with hereditary breast and ovarian cancer in the literature and is a highly recurrent mutation in the Chinese population (PMID: 15117986, 16455195, 17680524, 17851763, 22798144, 25366075, 25863477, 26824983, 26848529, 26852015, 27257965, 27393621, 28294317, 29487695, 29752822, 29805665, 30982232, 31054147, 31174498). This variant has not been identified in the general population by the Genome Aggregation Database (gnomAD). Loss of BRCA1 function is a known mechanism of disease. Based on the available evidence, this variant is classified as Pathogenic.

3DMed Clinical Laboratory Inc
Classification: Pathogenic for Neoplasm of the breast. Last evaluated: 2017-11-20. Review status: criteria provided, single submitter. Criteria: ACMG Guidelines, 2015. Collection method: clinical testing. Allele origin: germline. Affected: yes. Observed: 2 variant alleles. Not counted in ClinVar's aggregate classification.

Laboratory of Molecular Diagnosis of Cancer, West China Hospital, Sichuan University
Classification: Pathogenic for Breast neoplasm. Last evaluated: 2015-11-01. Review status: criteria provided, single submitter. Criteria: ACMG Guidelines, 2015. Collection method: research. Allele origin: germline. Affected: yes. Observed: 1 variant allele. Not counted in ClinVar's aggregate classification.